The following is an entry in ClinVar:

NM_015629.4(PRPF31):c.421-1G>A

Gene: PRPF31 (pre-mRNA processing factor 31; plus strand). Cytogenetic location: 19q13.42.
Variant type: single nucleotide variant.
Coding change: c.421-1G>A on transcript NM_015629.4 (MANE Select); the canonical splice acceptor site of the intron before coding-DNA position 421, G replaced by A.
Molecular consequence: splice acceptor variant.
Genome position (GRCh38, 1-based): chr19:54,123,453, G>A. VCF-style: chr19-54123453-G-A. GRCh37 (hg19) VCF-style: chr19-54626832-G-A.
Identifiers: ClinVar variation 1363574 (VCV001363574.8), dbSNP rs2146418544, ClinGen allele CA407750165.

ClinVar aggregate classification (germline): Pathogenic (1 of 4 stars; one submission).

Submission:

Labcorp Genetics (formerly Invitae), Labcorp
Classification: Pathogenic. Last evaluated: 2023-08-17. Review status: criteria provided, single submitter. Criteria: Invitae Variant Classification Sherloc (09022015). Collection method: clinical testing. Allele origin: germline.
Comment: This sequence change affects an acceptor splice site in intron 5 of the PRPF31 gene. RNA analysis indicates that disruption of this splice site induces altered splicing and may result in an absent or disrupted protein product. For these reasons, this variant has been classified as Pathogenic. Studies have shown that disruption of this splice site results in skipping of the first nucleotide of exon 6 and introduces a premature termination codon (PMID: 15162096). The resulting mRNA is expected to undergo nonsense-mediated decay. ClinVar contains an entry for this variant (Variation ID: 1363574). This variant is also known as IVS5-1G>A. Disruption of this splice site has been observed in individuals with retinitis pigmentosa (PMID: 15162096, 28981474). It has also been observed to segregate with disease in related individuals. This variant is not present in population databases (gnomAD no frequency).

Literature cited by the submitters: PubMed 15162096; PubMed 28981474.